The following is an entry in ClinVar:

ClinVar aggregate classification (germline): Uncertain significance (1 of 4 stars; one submission).

Allele frequency attached by ClinVar (database versions not stated): ESP Exome Variant Server 0.00023.
gnomAD v4.1: 34 of 1,613,970 alleles (0.0021%); highest among the groups gnomAD compares: African/African-American, 0.016%; no homozygotes.

Submission:

Labcorp Genetics (formerly Invitae), Labcorp
Classification: Uncertain significance. Last evaluated: 2022-03-23. Review status: criteria provided, single submitter. Criteria: Invitae Variant Classification Sherloc (09022015). Collection method: clinical testing. Allele origin: germline.
Comment: This sequence change replaces arginine, which is basic and polar, with tryptophan, which is neutral and slightly polar, at codon 468 of the PLOD3 protein (p.Arg468Trp). This variant is present in population databases (rs75592752, gnomAD 0.008%). This variant has not been reported in the literature in individuals affected with PLOD3-related conditions. Algorithms developed to predict the effect of missense changes on protein structure and function are either unavailable or do not agree on the potential impact of this missense change (SIFT: "Deleterious"; PolyPhen-2: "Possibly Damaging"; Align-GVGD: "Class C15"). In summary, the available evidence is currently insufficient to determine the role of this variant in disease. Therefore, it has been classified as a Variant of Uncertain Significance.

NM_001084.5(PLOD3):c.1402C>T (p.Arg468Trp)

Gene: PLOD3 (procollagen-lysine,2-oxoglutarate 5-dioxygenase 3; minus strand). Cytogenetic location: 7q22.1.
Variant type: single nucleotide variant.
Coding change: c.1402C>T on transcript NM_001084.5 (MANE Select); coding-DNA position 1402, C replaced by T.
Protein change: p.Arg468Trp; replaces arginine 468 with tryptophan.
Molecular consequence: missense variant.
Genome position (GRCh38, 1-based): chr7:101,210,630, G>A on the plus strand (C>T on the coding strand, the complement: PLOD3 is on the minus strand). VCF-style: chr7-101210630-G-A. GRCh37 (hg19) VCF-style: chr7-100853911-G-A.
Other names: short protein forms R468W.
Identifiers: ClinVar variation 2072774 (VCV002072774.1), dbSNP rs75592752, ClinGen allele CA4407686.